The following is an entry in ClinVar:

NM_019601.4(SUSD2):c.108C>T (p.Gly36=)

Gene: SUSD2 (sushi domain containing 2; plus strand). Cytogenetic location: 22q11.23.
Variant type: single nucleotide variant.
Coding change: c.108C>T on transcript NM_019601.4 (MANE Select); coding-DNA position 108, C replaced by T.
Protein change: p.Gly36=; no amino-acid change (glycine 36 retained).
Molecular consequence: synonymous variant.
Genome position (GRCh38, 1-based): chr22:24,183,088, C>T. VCF-style: chr22-24183088-C-T. GRCh37 (hg19) VCF-style: chr22-24579056-C-T.
Identifiers: ClinVar variation 2652985 (VCV002652985.24), dbSNP rs149912020, ClinGen allele CA10150172.

ClinVar aggregate classification (germline): Likely benign (1 of 4 stars; one submission).

Allele frequency attached by ClinVar (database versions not stated): TOPMed 0.00070; gnomAD 0.00085; ESP Exome Variant Server 0.00138; gnomAD exomes 0.00148; ExAC 0.00201.
gnomAD v4.1: 2,274 of 1,612,728 alleles (0.14%); highest among the groups gnomAD compares: Non-Finnish European, 0.17%; no homozygotes.

Submission:

CeGaT Center for Human Genetics Tuebingen
Classification: Likely benign. Last evaluated: 2023-01-01. Review status: criteria provided, single submitter. Criteria: CeGaT Center For Human Genetics Tuebingen Variant Classification Criteria Version 2. Collection method: clinical testing. Allele origin: germline. Affected: yes. Observed: 1 variant allele.
Comment: SUSD2: BP4, BP7